The following is an entry in ClinVar:

ClinVar aggregate classification (germline): Likely benign. Review status: criteria provided, multiple submitters, no conflicts (2 of 4 stars). 2 submissions from 2 submitters: Likely benign (2). Last evaluated 2025-12-17.

Conditions:
Dextro-looped transposition of the great arteries. Also called: Dextrotransposition of the great arteries. Identifiers: Orphanet 860, MedGen C3531771, MONDO:0019443, OMIM 608808, HP:0031348.

Submissions (2):

Labcorp Genetics (formerly Invitae), Labcorp
Classification: Likely benign for Dextro-looped transposition of the great arteries. Last evaluated: 2025-12-17. Review status: criteria provided, single submitter. Criteria: Invitae Variant Classification Sherloc (09022015). Collection method: clinical testing. Allele origin: germline.

CeGaT Center for Human Genetics Tuebingen
Classification: Likely benign. Last evaluated: 2023-08-01. Review status: criteria provided, single submitter. Criteria: CeGaT Center For Human Genetics Tuebingen Variant Classification Criteria Version 2. Collection method: clinical testing. Allele origin: germline. Affected: yes. Observed: 1 variant allele.
Comment: MED13L: BP4, BS1

NM_015335.5(MED13L):c.311-4dup

Gene: MED13L (mediator complex subunit 13L; minus strand). Cytogenetic location: 12q24.21.
Variant type: Duplication.
Coding change: c.311-4dup on transcript NM_015335.5 (MANE Select); 4 bases into the intron before coding-DNA position 311, one base duplicated (T; older notation c.311-4dupT).
Molecular consequence: intron variant.
Genome position (GRCh38, 1-based): chr12:116,111,516, A duplicated on the plus strand (T on the coding strand, the reverse complement: MED13L is on the minus strand); the first of 10 consecutive A bases (chr12:116,111,516-116,111,525); duplicating any one gives the same sequence. VCF-style (leftmost placement, unchanged base first): chr12-116111515-G-GA. GRCh37 (hg19) VCF-style: chr12-116549320-G-GA.
Other names: c.311-4dup (NM_015335.4).
Identifiers: ClinVar variation 695863 (VCV000695863.32), dbSNP rs150398214, ClinGen allele CA6811710.